The following is an entry in ClinVar:

NM_001001557.4(GDF6):c.544G>A (p.Gly182Arg)

Gene: GDF6 (growth differentiation factor 6; minus strand). Cytogenetic location: 8q22.1.
Variant type: single nucleotide variant.
Coding change: c.544G>A on transcript NM_001001557.4 (MANE Select); coding-DNA position 544, G replaced by A.
Protein change: p.Gly182Arg; replaces glycine 182 with arginine.
Molecular consequence: missense variant.
Genome position (GRCh38, 1-based): chr8:96,145,387, C>T on the plus strand (G>A on the coding strand, the complement: GDF6 is on the minus strand). VCF-style: chr8-96145387-C-T. GRCh37 (hg19) VCF-style: chr8-97157615-C-T.
Other names: short protein forms G182R.
Identifiers: ClinVar variation 1806542 (VCV001806542.6), dbSNP rs767572263, ClinGen allele CA4815440.

ClinVar aggregate classification (germline): Uncertain significance. Review status: criteria provided, multiple submitters, no conflicts (2 of 4 stars). 3 submissions from 3 submitters: Uncertain significance (3). Last evaluated 2026-08-22.

Conditions:
Isolated microphthalmia 4. Identifiers: Orphanet 2542, MedGen C2751307, MONDO:0013130, OMIM 613094.
Klippel-Feil syndrome 1, autosomal dominant (KFS1). Also called: CERVICAL VERTEBRAL FUSION, AUTOSOMAL DOMINANT. Identifiers: Orphanet 2345, MedGen C1861689, MONDO:0007306, OMIM 118100.
Microphthalmia, isolated, with coloboma 6 (MCOPCB6). Also called: Microphthalmia with coloboma 6, digenic; Microphthalmia with coloboma 6; MICROPHTHALMIA/COLOBOMA 6. Identifiers: Orphanet 98938, MedGen C3150968, MONDO:0013376, OMIM 613703.
Leber congenital amaurosis 17 (LCA17). Identifiers: Orphanet 65, MedGen C3715164, MONDO:0014145, OMIM 615360.
Inborn genetic diseases. Identifiers: MedGen C0950123, MeSH D030342.

gnomAD v4.1: 2 of 1,574,518 alleles (0.00013%); no homozygotes.

Submissions (3):

GeneDx
Classification: Uncertain significance. Last evaluated: 2026-08-22. Review status: criteria provided, single submitter. Criteria: GeneDx Variant Classification Process June 2021. Collection method: clinical testing. Allele origin: germline.
Comment: In silico analysis supports that this missense variant has a deleterious effect on protein structure/function; Has not been previously published as pathogenic or benign to our knowledge

Ambry Genetics
Classification: Uncertain significance for Inborn genetic diseases. Last evaluated: 2024-02-26. Review status: criteria provided, single submitter. Criteria: Ambry Variant Classification Scheme 2023. Collection method: clinical testing. Allele origin: germline.

Labcorp Genetics (formerly Invitae), Labcorp
Classification: Uncertain significance for Isolated microphthalmia 4; Leber congenital amaurosis 17; Klippel-Feil syndrome 1, autosomal dominant; Microphthalmia, isolated, with coloboma 6. Last evaluated: 2023-09-27. Review status: criteria provided, single submitter. Criteria: Invitae Variant Classification Sherloc (09022015). Collection method: clinical testing. Allele origin: germline.
Comment: This sequence change replaces glycine, which is neutral and non-polar, with arginine, which is basic and polar, at codon 182 of the GDF6 protein (p.Gly182Arg). The frequency data for this variant in the population databases is considered unreliable, as metrics indicate poor data quality at this position in the gnomAD database. This variant has not been reported in the literature in individuals affected with GDF6-related conditions. ClinVar contains an entry for this variant (Variation ID: 1806542). Advanced modeling of protein sequence and biophysical properties (such as structural, functional, and spatial information, amino acid conservation, physicochemical variation, residue mobility, and thermodynamic stability) performed at Invitae indicates that this missense variant is not expected to disrupt GDF6 protein function. In summary, the available evidence is currently insufficient to determine the role of this variant in disease. Therefore, it has been classified as a Variant of Uncertain Significance.